The following is an entry in ClinVar:

GRCh37/hg19 6q24.1-24.2(chr6:142220207-144502854)x3

Genes: ADAT2 (adenosine deaminase tRNA specific 2; minus strand), ADGRG6 (adhesion G protein-coupled receptor G6; plus strand), AIG1 (androgen induced 1; plus strand), FUCA2 (alpha-L-fucosidase 2; minus strand), HIVEP2 (HIVEP zinc finger 2; minus strand) and 10 more. Cytogenetic location: 6q24.1-24.2.
Variant type: copy number gain.
Change: copy number 3 (three copies instead of two) of chr6:142,220,207-144,502,854 (2.28 Mb, GRCh37 coordinates, 1-based), cytogenetic band 6q24.1-24.2.
Identifiers: ClinVar variation 4682665 (VCV004682665.1).

ClinVar aggregate classification (germline): Pathogenic (1 of 4 stars; one submission).

Submission:

Quest Diagnostics Nichols Institute San Juan Capistrano
Classification: Pathogenic. Last evaluated: 2024-11-29. Review status: criteria provided, single submitter. Criteria: ACMG/ClinGen CNV Guidelines, 2019. Collection method: clinical testing. Allele origin: unknown.
Comment: This duplication involves at least 15 protein-coding genes and fully overlaps the 6q24 region (ISCA-37442). Heterozygous duplications of the 6q24 region including PLAGL1 are associated with 6q24-related transient neonatal diabetes mellitus (6q24-TNDM; Temple 2018). Due to imprinting effects of genes in this region, clinical presentation may vary depending on the parental origin of the duplication (Temple 2002). There are no similar copy number gains of this region in the general populations of the Database of Genomic Variants. Thus, based on gene content and current medical literature, this copy number variant (CNV) is classified as pathogenic. References: Temple et al., GeneReviews [2018 Sep 13]. PMID: 20301706 Temple et al.,J Med Genet. 2002 Dec;39(12):872-5.PMID: 12471198